The following is an entry in ClinVar:

ClinVar aggregate classification (germline): Uncertain significance (1 of 4 stars; one submission).

Conditions:
Ehlers-Danlos syndrome, spondylodysplastic type, 3. Also called: Ehlers-Danlos syndrome, spondylocheirodysplastic type. Identifiers: Orphanet 157965, MedGen C2676510, MONDO:0012873, OMIM 612350.

Allele frequency attached by ClinVar (database versions not stated): gnomAD 0.00001; gnomAD exomes 0.00001 and 0.00004; TOPMed 0.00002; ExAC 0.00005.
gnomAD v4.1: 15 of 1,613,946 alleles (0.00093%); highest among the groups gnomAD compares: Admixed American, 0.013%; no homozygotes.

Submission:

Labcorp Genetics (formerly Invitae), Labcorp
Classification: Uncertain significance for Ehlers-Danlos syndrome, spondylodysplastic type, 3. Last evaluated: 2022-05-13. Review status: criteria provided, single submitter. Criteria: Invitae Variant Classification Sherloc (09022015). Collection method: clinical testing. Allele origin: germline.
Comment: Algorithms developed to predict the effect of missense changes on protein structure and function output the following: SIFT: "Tolerated"; PolyPhen-2: "Benign"; Align-GVGD: "Class C0". The serine amino acid residue is found in multiple mammalian species, which suggests that this missense change does not adversely affect protein function. This sequence change replaces asparagine, which is neutral and polar, with serine, which is neutral and polar, at codon 193 of the SLC39A13 protein (p.Asn193Ser). This variant is present in population databases (rs746264976, gnomAD 0.02%). This variant has not been reported in the literature in individuals affected with SLC39A13-related conditions. ClinVar contains an entry for this variant (Variation ID: 843758). Algorithms developed to predict the effect of sequence changes on RNA splicing suggest that this variant may create or strengthen a splice site. In summary, the available evidence is currently insufficient to determine the role of this variant in disease. Therefore, it has been classified as a Variant of Uncertain Significance.

NM_001128225.3(SLC39A13):c.578A>G (p.Asn193Ser)

Gene: SLC39A13 (solute carrier family 39 member 13; plus strand). Cytogenetic location: 11p11.2.
Variant type: single nucleotide variant.
Coding change: c.578A>G on transcript NM_001128225.3 (MANE Select); coding-DNA position 578, A replaced by G.
Protein change: p.Asn193Ser; replaces asparagine 193 with serine.
Molecular consequence: missense variant. On other transcripts: non-coding transcript variant (1).
Genome position (GRCh38, 1-based): chr11:47,413,440, A>G. VCF-style: chr11-47413440-A-G. GRCh37 (hg19) VCF-style: chr11-47434991-A-G.
Other names: c.578A>G, p.Asn193Ser (NM_001330245.2, NM_152264.5); short protein forms N193S.
Identifiers: ClinVar variation 843758 (VCV000843758.8), dbSNP rs746264976, ClinGen allele CA5975830.